The following is an entry in ClinVar:

NM_052832.4(SLC26A7):c.1554dup (p.Phe519fs)

Gene: SLC26A7 (solute carrier family 26 member 7; plus strand). Cytogenetic location: 8q21.3.
Variant type: Duplication.
Coding change: c.1554dup on transcript NM_052832.4 (MANE Select); coding-DNA position 1554, one base duplicated (A; older notation c.1554dupA).
Protein change: p.Phe519fs; shifts the reading frame from phenylalanine 519.
Molecular consequence: frameshift variant.
Genome position (GRCh38, 1-based): chr8:91,366,645, A duplicated; the last of 7 consecutive A bases (chr8:91,366,639-91,366,645); duplicating any one gives the same sequence. VCF-style (leftmost placement, unchanged base first): chr8-91366638-C-CA. GRCh37 (hg19) VCF-style: chr8-92378866-C-CA.
Other names: c.1554dup, p.Phe519fs (NM_001282356.2, NM_134266.2); c.651dup, p.Phe218fs (NM_001282357.2); short protein forms F218fs, F519fs.
Identifiers: ClinVar variation 2164580 (VCV002164580.1), dbSNP rs755550507, ClinGen allele CA4805560.

ClinVar aggregate classification (germline): Pathogenic (1 of 4 stars; one submission).

Submission:

Labcorp Genetics (formerly Invitae), Labcorp
Classification: Pathogenic. Last evaluated: 2022-07-05. Review status: criteria provided, single submitter. Criteria: Invitae Variant Classification Sherloc (09022015). Collection method: clinical testing. Allele origin: germline.
Comment: This sequence change creates a premature translational stop signal (p.Phe519Ilefs*4) in the SLC26A7 gene. It is expected to result in an absent or disrupted protein product. Loss-of-function variants in SLC26A7 are known to be pathogenic (PMID: 30333321, 31372509). The frequency data for this variant in the population databases is considered unreliable, as metrics indicate poor data quality at this position in the gnomAD database. This variant has not been reported in the literature in individuals affected with SLC26A7-related conditions. For these reasons, this variant has been classified as Pathogenic.

Literature cited by the submitters: PubMed 30333321; PubMed 31372509.